The following is an entry in ClinVar:

NM_004415.4(DSP):c.7667A>T (p.Gln2556Leu)

Gene: DSP (desmoplakin; plus strand). Cytogenetic location: 6p24.3.
Variant type: single nucleotide variant.
Coding change: c.7667A>T on transcript NM_004415.4 (MANE Select); coding-DNA position 7667, A replaced by T.
Protein change: p.Gln2556Leu; replaces glutamine 2556 with leucine.
Molecular consequence: missense variant.
Genome position (GRCh38, 1-based): chr6:7,584,929, A>T. VCF-style: chr6-7584929-A-T. GRCh37 (hg19) VCF-style: chr6-7585162-A-T.
Other names: c.5870A>T, p.Gln1957Leu (NM_001008844.3); c.6338A>T, p.Gln2113Leu (NM_001319034.2); short protein forms Q1957L, Q2113L, Q2556L.
Identifiers: ClinVar variation 928071 (VCV000928071.9), dbSNP rs760434412, ClinGen allele CA133976393.

ClinVar aggregate classification (germline): Conflicting classifications of pathogenicity. Review status: criteria provided, conflicting classifications (1 of 4 stars). 4 submissions from 4 submitters: Uncertain significance (3); Likely benign (1). Last evaluated 2024-04-03.

Conditions:
Cardiovascular phenotype. Identifiers: MedGen CN230736.
Cardiomyopathy (CMYO). Also called: Cardiomyopathies. Identifiers: Orphanet 167848, MedGen C0878544, MONDO:0004994, HP:0001638. Inheritance: Various modes of inheritance.
Arrhythmogenic cardiomyopathy with wooly hair and keratoderma. Also called: PALMOPLANTAR KERATODERMA WITH LEFT VENTRICULAR CARDIOMYOPATHY AND WOOLLY HAIR; Carvajal syndrome; Dilated cardiomyopathy with woolly hair and keratoderma; Arrhythmogenic cardiomyopathy with woolly hair and keratoderma. Identifiers: Orphanet 65282, MedGen C1854063, MONDO:0011581, OMIM 605676.
Arrhythmogenic right ventricular dysplasia 8 (ARVD8). Also called: ARRHYTHMOGENIC RIGHT VENTRICULAR DYSPLASIA, FAMILIAL, 8; Arrhythmogenic Right Ventricular Dysplasia/Cardiomyopathy 8; ARRHYTHMOGENIC RIGHT VENTRICULAR CARDIOMYOPATHY 8. Identifiers: MedGen C1843896, MONDO:0011831, OMIM 607450.

Allele frequency attached by ClinVar (database versions not stated): gnomAD exomes below 0.00001.
gnomAD v4.1: 7 of 1,614,148 alleles (0.00043%); highest among the groups gnomAD compares: South Asian, 0.0044%; no homozygotes.

Submissions (4):

Labcorp Genetics (formerly Invitae), Labcorp
Classification: Likely benign for Arrhythmogenic cardiomyopathy with wooly hair and keratoderma; Arrhythmogenic right ventricular dysplasia 8. Last evaluated: 2024-04-03. Review status: criteria provided, single submitter. Criteria: Invitae Variant Classification Sherloc (09022015). Collection method: clinical testing. Allele origin: germline.

Color Diagnostics, LLC DBA Color Health
Classification: Uncertain significance for Cardiomyopathy. Last evaluated: 2024-02-12. Review status: criteria provided, single submitter. Criteria: ACMG Guidelines, 2015. Collection method: clinical testing. Allele origin: germline.
Comment: This missense variant replaces glutamine with leucine at codon 2556 of the DSP protein. Computational prediction tools indicate that this variant has a deleterious impact on protein structure and function. To our knowledge, functional studies have not been reported for this variant. This variant has not been reported in individuals affected with DSP-related disorders in the literature. This variant has been identified in 1/251496 chromosomes in the general population by the Genome Aggregation Database (gnomAD). The available evidence is insufficient to determine the role of this variant in disease conclusively. Therefore, this variant is classified as a Variant of Uncertain Significance.

Ambry Genetics
Classification: Uncertain significance for Cardiovascular phenotype. Last evaluated: 2023-10-29. Review status: criteria provided, single submitter. Criteria: Ambry Variant Classification Scheme 2023. Collection method: clinical testing. Allele origin: germline.
Comment: The p.Q2556L variant (also known as c.7667A>T), located in coding exon 24 of the DSP gene, results from an A to T substitution at nucleotide position 7667. The glutamine at codon 2556 is replaced by leucine, an amino acid with dissimilar properties. This amino acid position is conserved. In addition, this alteration is predicted to be deleterious by in silico analysis. Since supporting evidence is limited at this time, the clinical significance of this alteration remains unclear.

All of Us Research Program, National Institutes of Health
Classification: Uncertain significance for Arrhythmogenic cardiomyopathy with wooly hair and keratoderma. Last evaluated: 2023-05-04. Review status: criteria provided, single submitter. Criteria: ACMG Guidelines, 2015. Collection method: clinical testing. Allele origin: germline. Inheritance: Autosomal dominant inheritance. Observed: 1 variant allele, 1 heterozygote.
Comment: This missense variant replaces glutamine with leucine at codon 2556 of the DSP protein. Computational prediction tools indicate that this variant has a deleterious impact on protein structure and function. To our knowledge, functional studies have not been reported for this variant. This variant has not been reported in individuals affected with DSP-related disorders in the literature. This variant has been identified in 1/251496 chromosomes in the general population by the Genome Aggregation Database (gnomAD). The available evidence is insufficient to determine the role of this variant in disease conclusively. Therefore, this variant is classified as a Variant of Uncertain Significance.

This study involves interpretation of variants in research participants for the purpose of population health screening. Participant phenotype was not available at the time of variant classification. Additional details can be found in publication PMID: 35346344, PMCID: PMC8962531